The following is an entry in ClinVar:

NM_006121.4(KRT1):c.799C>T (p.Arg267Trp)

Gene: KRT1 (keratin 1; minus strand). Cytogenetic location: 12q13.13.
Variant type: single nucleotide variant.
Coding change: c.799C>T on transcript NM_006121.4 (MANE Select); coding-DNA position 799, C replaced by T.
Protein change: p.Arg267Trp; replaces arginine 267 with tryptophan.
Molecular consequence: missense variant.
Genome position (GRCh38, 1-based): chr12:52,678,549, G>A on the plus strand (C>T on the coding strand, the complement: KRT1 is on the minus strand). VCF-style: chr12-52678549-G-A. GRCh37 (hg19) VCF-style: chr12-53072333-G-A.
Other names: short protein forms R267W.
Identifiers: ClinVar variation 3622668 (VCV003622668.2).

ClinVar aggregate classification (germline): Uncertain significance (1 of 4 stars; one submission).

gnomAD v4.1: 16 of 1,614,114 alleles (0.00099%); highest among the groups gnomAD compares: Non-Finnish European, 0.0013%; no homozygotes.

Submission:

Labcorp Genetics (formerly Invitae), Labcorp
Classification: Uncertain significance. Last evaluated: 2025-02-02. Review status: criteria provided, single submitter. Criteria: Invitae Variant Classification Sherloc (09022015). Collection method: clinical testing. Allele origin: germline.
Comment: This sequence change replaces arginine, which is basic and polar, with tryptophan, which is neutral and slightly polar, at codon 267 of the KRT1 protein (p.Arg267Trp). This variant is present in population databases (rs369367702, gnomAD 0.003%). This missense change has been observed in individual(s) with KRT1-related conditions (internal data). Invitae Evidence Modeling of protein sequence and biophysical properties (such as structural, functional, and spatial information, amino acid conservation, physicochemical variation, residue mobility, and thermodynamic stability) indicates that this missense variant is expected to disrupt KRT1 protein function with a positive predictive value of 80%. In summary, the available evidence is currently insufficient to determine the role of this variant in disease. Therefore, it has been classified as a Variant of Uncertain Significance.